The following is an entry in ClinVar:

NM_000455.5(STK11):c.208G>C (p.Glu70Gln)

Gene: STK11 (serine/threonine kinase 11; plus strand). Cytogenetic location: 19p13.3.
Variant type: single nucleotide variant.
Coding change: c.208G>C on transcript NM_000455.5 (MANE Select); coding-DNA position 208, G replaced by C.
Protein change: p.Glu70Gln; replaces glutamic acid 70 with glutamine.
Molecular consequence: missense variant.
Genome position (GRCh38, 1-based): chr19:1,207,121, G>C. VCF-style: chr19-1207121-G-C. GRCh37 (hg19) VCF-style: chr19-1207120-G-C.
Other names: c.208G>C, p.Glu70Gln (NM_001407255.1); short protein forms E70Q.
Identifiers: ClinVar variation 1785720 (VCV001785720.5), dbSNP rs1599915169, ClinGen allele CA402944328.
Genomic context (GRCh38, chr19:1,207,121, plus strand): 5'-CTGATGGGGGACCTGCTGGGGGAAGGCTCTTACGGCAAGGTGAAGGAGGTGCTGGACTCG[G>C]AGACGCTGTGCAGGAGGGCCGTCAAGATCCTCAAGAAGAAGAAGTTGCGAAGGATCCCCA-3'
Protein context (NP_000446.1, residues 60-80): YGKVKEVLDS[Glu70Gln]TLCRRAVKIL

ClinVar aggregate classification (germline): Uncertain significance. Review status: criteria provided, multiple submitters, no conflicts (2 of 4 stars). 2 submissions from 2 submitters: Uncertain significance (2). Last evaluated 2024-04-25.

Conditions:
Hereditary cancer-predisposing syndrome. Also called: Tumor predisposition; Neoplastic Syndromes, Hereditary; Hereditary Cancer Syndrome; Hereditary neoplastic syndrome. Identifiers: Orphanet 140162, MedGen C0027672, MeSH D009386, MONDO:0015356.
Peutz-Jeghers syndrome (PJS). Also called: POLYPOSIS, HAMARTOMATOUS INTESTINAL; POLYPS-AND-SPOTS SYNDROME; Peutz-Jeghers polyposis; Periorificial lentiginosis syndrome. Identifiers: Orphanet 2869, MedGen C0031269, MeSH D010580, MONDO:0008280, OMIM 175200.

Submissions (2):

Labcorp Genetics (formerly Invitae), Labcorp
Classification: Uncertain significance for Peutz-Jeghers syndrome. Last evaluated: 2024-04-25. Review status: criteria provided, single submitter. Criteria: Invitae Variant Classification Sherloc (09022015). Collection method: clinical testing. Allele origin: germline.
Comment: This sequence change replaces glutamic acid, which is acidic and polar, with glutamine, which is neutral and polar, at codon 70 of the STK11 protein (p.Glu70Gln). This variant is not present in population databases (gnomAD no frequency). This variant has not been reported in the literature in individuals affected with STK11-related conditions. ClinVar contains an entry for this variant (Variation ID: 1785720). Advanced modeling of protein sequence and biophysical properties (such as structural, functional, and spatial information, amino acid conservation, physicochemical variation, residue mobility, and thermodynamic stability) has been performed at Invitae for this missense variant, however the output from this modeling did not meet the statistical confidence thresholds required to predict the impact of this variant on STK11 protein function. In summary, the available evidence is currently insufficient to determine the role of this variant in disease. Therefore, it has been classified as a Variant of Uncertain Significance.

Ambry Genetics
Classification: Uncertain significance for Hereditary cancer-predisposing syndrome. Last evaluated: 2024-04-18. Review status: criteria provided, single submitter. Criteria: Ambry Variant Classification Scheme 2023. Collection method: clinical testing. Allele origin: germline.
Comment: The p.E70Q variant (also known as c.208G>C), located in coding exon 1 of the STK11 gene, results from a G to C substitution at nucleotide position 208. The glutamic acid at codon 70 is replaced by glutamine, an amino acid with highly similar properties. This amino acid position is well conserved in available vertebrate species. In addition, this alteration is predicted to be tolerated by in silico analysis. Based on the available evidence, the clinical significance of this variant remains unclear.